The following is an entry in ClinVar:

NM_133171.5(ELMO2):c.1447C>T (p.Arg483Ter)

Gene: ELMO2 (engulfment and cell motility 2; minus strand). Cytogenetic location: 20q13.12.
Variant type: single nucleotide variant.
Coding change: c.1447C>T on transcript NM_133171.5 (MANE Select); coding-DNA position 1447, C replaced by T.
Protein change: p.Arg483Ter; replaces arginine 483 with a stop codon.
Molecular consequence: nonsense.
Genome position (GRCh38, 1-based): chr20:46,371,939, G>A on the plus strand (C>T on the coding strand, the complement: ELMO2 is on the minus strand). VCF-style: chr20-46371939-G-A. GRCh37 (hg19) VCF-style: chr20-45000578-G-A.
Other names: c.1183C>T, p.Arg395Ter (NM_001318253.2); c.1447C>T, p.Arg483Ter (NM_182764.3); short protein forms R395*, R483*.
Identifiers: ClinVar variation 1683740 (VCV001683740.2), dbSNP rs1372506599, ClinGen allele CA409247711.

ClinVar aggregate classification (germline): Likely pathogenic (1 of 4 stars; one submission).

Conditions:
Primary intraosseous venous malformation. Also called: HEMANGIOMA, INTRAOSSEOUS; Vascular malformation, primary intraosseous; VASCULAR MALFORMATION OSSEOUS. Identifiers: Orphanet 140436, MedGen C1847197, MONDO:0011744, OMIM 606893.

Allele frequency attached by ClinVar (database versions not stated): gnomAD exomes below 0.00001; gnomAD 0.00001; TOPMed 0.00001.
gnomAD v4.1: 4 of 1,613,932 alleles (0.00025%); highest among the groups gnomAD compares: East Asian, 0.0045%; no homozygotes.

Submission:

Laboratorio de Genetica e Diagnostico Molecular, Hospital Israelita Albert Einstein
Classification: Likely pathogenic for Primary intraosseous venous malformation. Last evaluated: 2021-11-06. Review status: criteria provided, single submitter. Criteria: ACMG Guidelines, 2015. Collection method: clinical testing. Allele origin: germline. Affected: yes.
Comment: ACMG classification criteria: PVS1 very strong, PM2 moderate